The following is an entry in ClinVar:

NM_001382430.1(AKT1):c.119A>T (p.Glu40Val)

Gene: AKT1 (AKT serine/threonine kinase 1; minus strand). Cytogenetic location: 14q32.33.
Variant type: single nucleotide variant.
Coding change: c.119A>T on transcript NM_001382430.1 (MANE Select); coding-DNA position 119, A replaced by T.
Protein change: p.Glu40Val; replaces glutamic acid 40 with valine.
Molecular consequence: missense variant.
Genome position (GRCh38, 1-based): chr14:104,780,144, T>A on the plus strand (A>T on the coding strand, the complement: AKT1 is on the minus strand). VCF-style: chr14-104780144-T-A. GRCh37 (hg19) VCF-style: chr14-105246481-T-A.
Other names: c.119A>T, p.Glu40Val (NM_001014431.2, NM_001014432.2, NM_001382431.1 and 3 more transcripts); short protein forms E40V.
Identifiers: ClinVar variation 2587637 (VCV002587637.2), dbSNP rs2140949199, ClinGen allele CA391221563.

ClinVar aggregate classification (germline): Uncertain significance (1 of 4 stars; one submission).

Conditions:
Inborn genetic diseases. Identifiers: MedGen C0950123, MeSH D030342.

Submission:

Ambry Genetics
Classification: Uncertain significance for Inborn genetic diseases. Last evaluated: 2023-07-27. Review status: criteria provided, single submitter. Criteria: Ambry Variant Classification Scheme 2023. Collection method: clinical testing. Allele origin: germline.
Comment: The p.E40V variant (also known as c.119A>T), located in coding exon 2 of the AKT1 gene, results from an A to T substitution at nucleotide position 119. The glutamic acid at codon 40 is replaced by valine, an amino acid with dissimilar properties. This amino acid position is conserved. In addition, the in silico prediction for this alteration is inconclusive. Since supporting evidence is limited at this time, the clinical significance of this alteration remains unclear.